The following is an entry in ClinVar:

NM_001242896.3(DEPDC5):c.16G>A (p.Val6Ile)

Gene: DEPDC5 (DEP domain containing 5, GATOR1 subcomplex subunit; plus strand). Cytogenetic location: 22q12.2.
Variant type: single nucleotide variant.
Coding change: c.16G>A on transcript NM_001242896.3 (MANE Select); coding-DNA position 16, G replaced by A.
Protein change: p.Val6Ile; replaces valine 6 with isoleucine.
Molecular consequence: missense variant. On other transcripts: non-coding transcript variant (5).
Genome position (GRCh38, 1-based): chr22:31,754,937, G>A. VCF-style: chr22-31754937-G-A. GRCh37 (hg19) VCF-style: chr22-32150923-G-A.
Other names: c.16G>A, p.Val6Ile (NM_001007188.4, NM_001136029.4, NM_001242897.2 and 9 more transcripts); short protein forms V6I.
Identifiers: ClinVar variation 3600548 (VCV003600548.1).

ClinVar aggregate classification (germline): Uncertain significance (1 of 4 stars; one submission).

gnomAD v4.1: 1 of 1,614,088 alleles (0.000062%); highest among the groups gnomAD compares: Admixed American, 0.0017%; no homozygotes.

Submission:

GeneDx
Classification: Uncertain significance. Last evaluated: 2024-07-24. Review status: criteria provided, single submitter. Criteria: GeneDx Variant Classification Process June 2021. Collection method: clinical testing. Allele origin: germline. Affected: yes.
Comment: Not observed at significant frequency in large population cohorts (gnomAD); In silico analysis indicates that this missense variant does not alter protein structure/function; Has not been previously published as pathogenic or benign to our knowledge